The following is an entry in ClinVar:

ClinVar aggregate classification (germline): Uncertain significance (1 of 4 stars; one submission).

Submission:

GeneDx
Classification: Uncertain significance. Last evaluated: 2026-04-29. Review status: criteria provided, single submitter. Criteria: GeneDx Variant Classification Process June 2021. Collection method: clinical testing. Allele origin: germline.
Comment: Not observed at significant frequency in large population cohorts (gnomAD); In silico analysis supports that this missense variant has a deleterious effect on protein structure/function; Has not been previously published as pathogenic or benign to our knowledge

NM_006160.4(NEUROD2):c.1126C>T (p.Leu376Phe)

Gene: NEUROD2 (neuronal differentiation 2; minus strand). Cytogenetic location: 17q12.
Variant type: single nucleotide variant.
Coding change: c.1126C>T on transcript NM_006160.4 (MANE Select); coding-DNA position 1126, C replaced by T.
Protein change: p.Leu376Phe; replaces leucine 376 with phenylalanine.
Molecular consequence: missense variant.
Genome position (GRCh38, 1-based): chr17:39,605,474, G>A on the plus strand (C>T on the coding strand, the complement: NEUROD2 is on the minus strand). VCF-style: chr17-39605474-G-A. GRCh37 (hg19) VCF-style: chr17-37761727-G-A.
Other names: short protein forms L376F.
Identifiers: ClinVar variation 4278666 (VCV004278666.2).